The following is an entry in ClinVar:

ClinVar aggregate classification (germline): Uncertain significance (1 of 4 stars; one submission).

Allele frequency attached by ClinVar (database versions not stated): TOPMed below 0.00001; gnomAD exomes 0.00001; ExAC 0.00002.
gnomAD v4.1: 11 of 1,614,208 alleles (0.00068%); highest among the groups gnomAD compares: South Asian, 0.0044%; no homozygotes.

Submission:

Labcorp Genetics (formerly Invitae), Labcorp
Classification: Uncertain significance. Last evaluated: 2024-01-15. Review status: criteria provided, single submitter. Criteria: Invitae Variant Classification Sherloc (09022015). Collection method: clinical testing. Allele origin: germline.
Comment: This sequence change replaces threonine, which is neutral and polar, with methionine, which is neutral and non-polar, at codon 344 of the KCNC3 protein (p.Thr344Met). This variant is present in population databases (rs758088145, gnomAD 0.006%). This variant has not been reported in the literature in individuals affected with KCNC3-related conditions. ClinVar contains an entry for this variant (Variation ID: 1347838). Advanced modeling of protein sequence and biophysical properties (such as structural, functional, and spatial information, amino acid conservation, physicochemical variation, residue mobility, and thermodynamic stability) performed at Invitae indicates that this missense variant is expected to disrupt KCNC3 protein function with a positive predictive value of 95%. In summary, the available evidence is currently insufficient to determine the role of this variant in disease. Therefore, it has been classified as a Variant of Uncertain Significance.

NM_004977.3(KCNC3):c.1031C>T (p.Thr344Met)

Gene: KCNC3 (potassium voltage-gated channel subfamily C member 3; minus strand). Cytogenetic location: 19q13.33.
Variant type: single nucleotide variant.
Coding change: c.1031C>T on transcript NM_004977.3 (MANE Select); coding-DNA position 1031, C replaced by T.
Protein change: p.Thr344Met; replaces threonine 344 with methionine.
Molecular consequence: missense variant.
Genome position (GRCh38, 1-based): chr19:50,323,922, G>A on the plus strand (C>T on the coding strand, the complement: KCNC3 is on the minus strand). VCF-style: chr19-50323922-G-A. GRCh37 (hg19) VCF-style: chr19-50827179-G-A.
Other names: c.803C>T, p.Thr268Met (NM_001372305.1); short protein forms T268M, T344M.
Identifiers: ClinVar variation 1347838 (VCV001347838.6), dbSNP rs758088145, ClinGen allele CA9594303.